The following is an entry in ClinVar:

NM_000318.3(PEX2):c.*1696C>T

Gene: PEX2 (peroxisomal biogenesis factor 2; minus strand). Cytogenetic location: 8q21.13.
Variant type: single nucleotide variant.
Coding change: c.*1696C>T on transcript NM_000318.3 (MANE Select); 1696 bases downstream of the stop codon, C replaced by T.
Molecular consequence: 3 prime UTR variant.
Genome position (GRCh38, 1-based): chr8:76,981,565, G>A on the plus strand (C>T on the coding strand, the complement: PEX2 is on the minus strand). VCF-style: chr8-76981565-G-A. GRCh37 (hg19) VCF-style: chr8-77893801-G-A.
Other names: c.*1696C>T (NM_001079867.2, NM_001172086.2, NM_001172087.2).
Identifiers: ClinVar variation 363791 (VCV000363791.6), dbSNP rs112199677, ClinGen allele CA10625841.

ClinVar aggregate classification (germline): Benign. Review status: criteria provided, multiple submitters, no conflicts (2 of 4 stars). 2 submissions from 2 submitters: Benign (2). Last evaluated 2018-01-12.

Conditions:
Peroxisome biogenesis disorder 5A (Zellweger) (PBD5A). Identifiers: Orphanet 912, MedGen C3553940, MONDO:0013932, OMIM 614866.

Allele frequency attached by ClinVar (database versions not stated): TOPMed 0.03234; gnomAD 0.03238 and 0.03286; 1000 Genomes Project 0.03395; 1000 Genomes Project 30x 0.03498.

Submissions (2):

Illumina Laboratory Services, Illumina
Classification: Benign for Peroxisome biogenesis disorder 5A (Zellweger). Last evaluated: 2018-01-12. Review status: criteria provided, single submitter. Criteria: ICSL Variant Classification Criteria 13 December 2019. Collection method: clinical testing. Allele origin: germline.
Comment: This variant was observed in the ICSL laboratory as part of a predisposition screen in an ostensibly healthy population. It had not been previously curated by ICSL or reported in the Human Gene Mutation Database (HGMD: prior to June 1st, 2018), and was therefore a candidate for classification through an automated scoring system. Utilizing variant allele frequency, disease prevalence and penetrance estimates, and inheritance mode, an automated score was calculated to assess if this variant is too frequent to cause the disease. Based on the score and internal cut-off values, a variant classified as benign is not then subjected to further curation. The score for this variant resulted in a classification of benign for this disease.

Breakthrough Genomics
Classification: Benign. Review status: criteria provided, single submitter. Criteria: ACMG Guidelines, 2015. Collection method: not provided. Allele origin: germline. Inheritance: Autosomal recessive inheritance. Affected: yes.